The following is an entry in ClinVar:

ClinVar aggregate classification (germline): Likely pathogenic (1 of 4 stars; one submission).

Conditions:
Cornelia de Lange syndrome 1 (CDLS1). Also called: Brachmann de Lange syndrome; NIPBL-Related Cornelia de Lange Syndrome; TYPUS DEGENERATIVUS AMSTELODAMENSIS. Identifiers: Orphanet 199, MedGen C4551851, MONDO:0007387, OMIM 122470.

Submission:

Labcorp Genetics (formerly Invitae), Labcorp
Classification: Likely pathogenic for Cornelia de Lange syndrome 1. Last evaluated: 2021-08-31. Review status: criteria provided, single submitter. Criteria: Invitae Variant Classification Sherloc (09022015). Collection method: clinical testing. Allele origin: germline.
Comment: This sequence change affects a donor splice site in intron 35 of the NIPBL gene. It is expected to disrupt RNA splicing. Variants that disrupt the donor or acceptor splice site typically lead to a loss of protein function (PMID: 16199547), and loss-of-function variants in NIPBL are known to be pathogenic (PMID: 15318302, 19763162, 23505322, 29995837). This variant is not present in population databases (ExAC no frequency). This variant has not been reported in the literature in individuals affected with NIPBL-related conditions. Algorithms developed to predict the effect of sequence changes on RNA splicing suggest that this variant may disrupt the consensus splice site. In summary, the currently available evidence indicates that the variant is pathogenic, but additional data are needed to prove that conclusively. Therefore, this variant has been classified as Likely Pathogenic.

Literature cited by the submitters: PubMed 16199547; PubMed 15318302; PubMed 19763162; PubMed 23505322; PubMed 29995837.

NM_133433.4(NIPBL):c.6249+1G>A

Gene: NIPBL (NIPBL cohesin loading factor; plus strand). Cytogenetic location: 5p13.2.
Variant type: single nucleotide variant.
Coding change: c.6249+1G>A on transcript NM_133433.4 (MANE Select); the canonical splice donor site of the intron after coding-DNA position 6249, G replaced by A.
Molecular consequence: splice donor variant.
Genome position (GRCh38, 1-based): chr5:37,044,488, G>A. VCF-style: chr5-37044488-G-A. GRCh37 (hg19) VCF-style: chr5-37044590-G-A.
Other names: c.6249+1G>A (NM_015384.5).
Identifiers: ClinVar variation 1469739 (VCV001469739.6), dbSNP rs2149730953, ClinGen allele CA359502669.